The following is an entry in ClinVar:

ClinVar aggregate classification (germline): Uncertain significance (1 of 4 stars; one submission).

gnomAD v4.1: 1 of 1,597,650 alleles (0.000063%); highest among the groups gnomAD compares: African/African-American, 0.0013%; no homozygotes.

Submission:

Labcorp Genetics (formerly Invitae), Labcorp
Classification: Uncertain significance. Last evaluated: 2025-11-08. Review status: criteria provided, single submitter. Criteria: Invitae Variant Classification Sherloc (09022015). Collection method: clinical testing. Allele origin: germline.
Comment: This sequence change replaces serine, which is neutral and polar, with phenylalanine, which is neutral and non-polar, at codon 151 of the JAK2 protein (p.Ser151Phe). This variant is present in population databases (no rsID available, gnomAD 0.01%). This variant has not been reported in the literature in individuals affected with JAK2-related conditions. Invitae Evidence Modeling of protein sequence and biophysical properties (such as structural, functional, and spatial information, amino acid conservation, physicochemical variation, residue mobility, and thermodynamic stability) indicates that this missense variant is not expected to disrupt JAK2 protein function with a negative predictive value of 95%. In summary, the available evidence is currently insufficient to determine the role of this variant in disease. Therefore, it has been classified as a Variant of Uncertain Significance.

NM_004972.4(JAK2):c.452C>T (p.Ser151Phe)

Genes: INSL6 (insulin like 6; minus strand), JAK2 (Janus kinase 2; plus strand). Cytogenetic location: 9p24.1.
Variant type: single nucleotide variant.
Coding change: c.452C>T on transcript NM_004972.4 (MANE Select); coding-DNA position 452, C replaced by T.
Protein change: p.Ser151Phe; replaces serine 151 with phenylalanine.
Molecular consequence: missense variant. On other transcripts: 5 prime UTR variant (2), non-coding transcript variant (2).
Genome position (GRCh38, 1-based): chr9:5,044,504, C>T. VCF-style: chr9-5044504-C-T. GRCh37 (hg19) VCF-style: chr9-5044504-C-T.
Other names: c.452C>T, p.Ser151Phe (NM_001322194.2, NM_001322195.2, NM_001322196.2); c.-669C>T (NM_001322198.2, NM_001322199.2); c.5C>T, p.Ser2Phe (NM_001322204.2); short protein forms S2F, S151F.
Identifiers: ClinVar variation 4776857 (VCV004776857.1).
Genomic context (GRCh38, chr9:5,044,504, plus strand): 5'-CCTATCGGCATGGAATATCTCGAGGTGCTGAAGCTCCTCTTCTTGATGACTTTGTCATGT[C>T]TTACCTCTTTGCTCAGGTATGATTATATTATCTTACTTGTACATGAGTTAAATGATAAAT-3'
Protein context (NP_004963.1, residues 141-161): EAPLLDDFVM[Ser151Phe]YLFAQWRHDF